The following is an entry in ClinVar:

ClinVar aggregate classification (germline): Uncertain significance (1 of 4 stars; one submission).

Conditions:
Cardiovascular phenotype. Identifiers: MedGen CN230736.

Submission:

Ambry Genetics
Classification: Uncertain significance for Cardiovascular phenotype. Last evaluated: 2024-03-04. Review status: criteria provided, single submitter. Criteria: Ambry Variant Classification Scheme 2023. Collection method: clinical testing. Allele origin: germline.
Comment: The p.W776C variant (also known as c.2328G>C), located in coding exon 17 of the TRPM4 gene, results from a G to C substitution at nucleotide position 2328. The tryptophan at codon 776 is replaced by cysteine, an amino acid with highly dissimilar properties. This amino acid position is conserved. In addition, this alteration is predicted to be deleterious by in silico analysis. Based on the available evidence, the clinical significance of this alteration remains unclear.

NM_017636.4(TRPM4):c.2328G>C (p.Trp776Cys)

Gene: TRPM4 (transient receptor potential cation channel subfamily M member 4; plus strand). Cytogenetic location: 19q13.33.
Variant type: single nucleotide variant.
Coding change: c.2328G>C on transcript NM_017636.4 (MANE Select); coding-DNA position 2328, G replaced by C.
Protein change: p.Trp776Cys; replaces tryptophan 776 with cysteine.
Molecular consequence: missense variant. On other transcripts: intron variant (1).
Genome position (GRCh38, 1-based): chr19:49,196,557, G>C. VCF-style: chr19-49196557-G-C. GRCh37 (hg19) VCF-style: chr19-49699814-G-C.
Other names: c.1983G>C, p.Trp661Cys (NM_001321281.2); c.720G>C, p.Trp240Cys (NM_001321282.2); c.1806G>C, p.Trp602Cys (NM_001321283.2); c.1266G>C, p.Trp422Cys (NM_001321285.2); c.2211-3743G>C (NM_001195227.2); short protein forms W240C, W422C, W602C, W661C, W776C.
Identifiers: ClinVar variation 3227010 (VCV003227010.1), dbSNP rs762964424, ClinGen allele CA406808875.